The following is an entry in ClinVar:

NM_002742.3(PRKD1):c.57A>C (p.Ala19=)

Gene: PRKD1 (protein kinase D1; minus strand). Cytogenetic location: 14q12.
Variant type: single nucleotide variant.
Coding change: c.57A>C on transcript NM_002742.3 (MANE Select); coding-DNA position 57, A replaced by C.
Protein change: p.Ala19=; no amino-acid change (alanine 19 retained).
Molecular consequence: synonymous variant.
Genome position (GRCh38, 1-based): chr14:29,927,456, T>G on the plus strand (A>C on the coding strand, the complement: PRKD1 is on the minus strand). VCF-style: chr14-29927456-T-G. GRCh37 (hg19) VCF-style: chr14-30396662-T-G.
Other names: c.57A>C, p.Ala19= (NM_001330069.2); c.57A>C (NM_001330069.1).
Identifiers: ClinVar variation 794071 (VCV000794071.6), dbSNP rs1005293562, ClinGen allele CA258529090.

ClinVar aggregate classification (germline): Likely benign. Review status: criteria provided, single submitter (1 of 4 stars). 2 submissions from 2 submitters: Likely benign (1). 1 of the submissions does not count toward it. Last evaluated 2019-12-31.

Conditions:
PRKD1-related disorder. Also called: PRKD1-related condition.

Allele frequency attached by ClinVar (database versions not stated): gnomAD exomes 0.00002; gnomAD 0.00007 and 0.00011; 1000 Genomes Project 30x 0.00078.
gnomAD v4.1: 41 of 1,301,880 alleles (0.0031%); highest among the groups gnomAD compares: East Asian, 0.09%; no homozygotes.

Submissions (2):

Labcorp Genetics (formerly Invitae), Labcorp
Classification: Likely benign. Last evaluated: 2019-12-31. Review status: criteria provided, single submitter. Criteria: Invitae Variant Classification Sherloc (09022015). Collection method: clinical testing. Allele origin: germline.

PreventionGenetics, part of Exact Sciences
Classification: Likely benign for PRKD1-related condition. Last evaluated: 2020-04-24. Review status: no assertion criteria provided. Collection method: clinical testing. Allele origin: germline. Not counted in ClinVar's aggregate classification.
Comment: This variant is classified as likely benign based on ACMG/AMP sequence variant interpretation guidelines (Richards et al. 2015 PMID: 25741868, with internal and published modifications).